The following is an entry in ClinVar:

NM_005732.4(RAD50):c.1025A>C (p.Glu342Ala)

Gene: RAD50 (RAD50 double strand break repair protein; plus strand). Cytogenetic location: 5q31.1.
Variant type: single nucleotide variant.
Coding change: c.1025A>C on transcript NM_005732.4 (MANE Select); coding-DNA position 1025, A replaced by C.
Protein change: p.Glu342Ala; replaces glutamic acid 342 with alanine.
Molecular consequence: missense variant.
Genome position (GRCh38, 1-based): chr5:132,588,063, A>C. VCF-style: chr5-132588063-A-C. GRCh37 (hg19) VCF-style: chr5-131923755-A-C.
Other names: short protein forms E342A.
Identifiers: ClinVar variation 1010249 (VCV001010249.9), dbSNP rs1750628372, ClinGen allele CA360941568.
Genomic context (GRCh38, chr5:132,588,063, plus strand): 5'-TGGTAGACTGTCATCGTGAACTGGAAAAACTAAATAAAGAATCTAGGCTTCTCAATCAGG[A>C]AAAATCAGAACTGCTTGTTGAACAGGGTAGGACAAAATGTTTATTTGGTCGTTTTTCCTA-3'
Protein context (NP_005723.2, residues 332-352): LNKESRLLNQ[Glu342Ala]KSELLVEQGR

ClinVar aggregate classification (germline): Uncertain significance (1 of 4 stars; one submission).

Conditions:
Hereditary cancer-predisposing syndrome. Also called: Tumor predisposition; Hereditary neoplastic syndrome; Neoplastic Syndromes, Hereditary; Hereditary Cancer Syndrome. Identifiers: Orphanet 140162, MedGen C0027672, MeSH D009386, MONDO:0015356.

Submission:

Labcorp Genetics (formerly Invitae), Labcorp
Classification: Uncertain significance for Hereditary cancer-predisposing syndrome. Last evaluated: 2020-07-23. Review status: criteria provided, single submitter. Criteria: Invitae Variant Classification Sherloc (09022015). Collection method: clinical testing. Allele origin: germline.
Comment: In summary, the available evidence is currently insufficient to determine the role of this variant in disease. Therefore, it has been classified as a Variant of Uncertain Significance. Algorithms developed to predict the effect of missense changes on protein structure and function (SIFT, PolyPhen-2, Align-GVGD) all suggest that this variant is likely to be tolerated, but these predictions have not been confirmed by published functional studies and their clinical significance is uncertain. This variant has not been reported in the literature in individuals with RAD50-related conditions. This variant is not present in population databases (ExAC no frequency). This sequence change replaces glutamic acid with alanine at codon 342 of the RAD50 protein (p.Glu342Ala). The glutamic acid residue is moderately conserved and there is a moderate physicochemical difference between glutamic acid and alanine.